The following is an entry in ClinVar:

NM_000051.4(ATM):c.8189A>G (p.Gln2730Arg)

Genes: ATM (ATM serine/threonine kinase; plus strand), C11orf65 (chromosome 11 open reading frame 65; minus strand). Cytogenetic location: 11q22.3.
Variant type: single nucleotide variant.
Coding change: c.8189A>G on transcript NM_000051.4 (MANE Select); coding-DNA position 8189, A replaced by G.
Protein change: p.Gln2730Arg; replaces glutamine 2730 with arginine.
Molecular consequence: missense variant. On other transcripts: intron variant (2).
Genome position (GRCh38, 1-based): chr11:108,335,882, A>G. VCF-style: chr11-108335882-A-G. GRCh37 (hg19) VCF-style: chr11-108206609-A-G.
Other names: c.8189A>G, p.Gln2730Arg (NM_001351834.2); c.641-26811T>C (NM_001330368.2); c.695-590T>C (NM_001351110.2); short protein forms Q2730R.
Identifiers: ClinVar variation 645055 (VCV000645055.7), dbSNP rs762154857, ClinGen allele CA6266317.

ClinVar aggregate classification (germline): Uncertain significance (1 of 4 stars; one submission).

Conditions:
Ataxia-telangiectasia syndrome (AT). Also called: Ataxia-telangiectasia, complementation group D; AT, COMPLEMENTATION GROUP C; ATAXIA-TELANGIECTASIA, COMPLEMENTATION GROUP A; ATAXIA-TELANGIECTASIA, FRESNO VARIANT; Ataxia-telangiectasia; LOUIS-BAR SYNDROME. Identifiers: Orphanet 100, MedGen C0004135, MONDO:0008840, OMIM 208900.

Allele frequency attached by ClinVar (database versions not stated): gnomAD exomes below 0.00001; ExAC 0.00001.
gnomAD v4.1: 1 of 1,614,084 alleles (0.000062%); highest among the groups gnomAD compares: Non-Finnish European, 0.000085%; no homozygotes.

Submission:

Labcorp Genetics (formerly Invitae), Labcorp
Classification: Uncertain significance for Ataxia-telangiectasia syndrome. Last evaluated: 2023-10-27. Review status: criteria provided, single submitter. Criteria: Invitae Variant Classification Sherloc (09022015). Collection method: clinical testing. Allele origin: germline.
Comment: This sequence change replaces glutamine, which is neutral and polar, with arginine, which is basic and polar, at codon 2730 of the ATM protein (p.Gln2730Arg). This variant is present in population databases (rs762154857, gnomAD 0.0009%). This variant has not been reported in the literature in individuals affected with ATM-related conditions. ClinVar contains an entry for this variant (Variation ID: 645055). An algorithm developed to predict the effect of missense changes on protein structure and function (PolyPhen-2) suggests that this variant is likely to be disruptive. This variant disrupts the p.Gln2730 amino acid residue in ATM. Other variant(s) that disrupt this residue have been determined to be pathogenic (PMID: 16189143, 19431188, 22869595). This suggests that this residue is clinically significant, and that variants that disrupt this residue are likely to be disease-causing. In summary, the available evidence is currently insufficient to determine the role of this variant in disease. Therefore, it has been classified as a Variant of Uncertain Significance.

Literature cited by the submitters: PubMed 16189143; PubMed 19431188; PubMed 22869595.